The following is an entry in ClinVar:

ClinVar aggregate classification (germline): Pathogenic (1 of 4 stars; one submission).

Conditions:
Developmental and epileptic encephalopathy. Identifiers: MedGen C5779964, MONDO:0100620.

Submission:

Labcorp Genetics (formerly Invitae), Labcorp
Classification: Pathogenic for Early-infantile DEE. Last evaluated: 2023-04-09. Review status: criteria provided, single submitter. Criteria: Invitae Variant Classification Sherloc (09022015). Collection method: clinical testing. Allele origin: unknown.
Comment: For these reasons, this variant has been classified as Pathogenic. This variant disrupts a region of the SCN1A protein in which other variant(s) (p.Arg1924Leufs*8) have been determined to be pathogenic (PMID: 27465585). This suggests that this is a clinically significant region of the protein, and that variants that disrupt it are likely to be disease-causing. This variant has not been reported in the literature in individuals affected with SCN1A-related conditions. This variant is a gross deletion of the genomic region encompassing exon(s) 2-26 of the SCN1A gene, which includes the termination codon. This deletion extends beyond the assayed region for this gene and therefore may encompass additional genes. While this deletion is not anticipated to lead to nonsense mediated decay, it is expected to alter mRNA translation or result in a truncated protein product.

Literature cited by the submitters: PubMed 27465585.

NC_000002.11:g.(?_166737169)_(166915218_?)del

Genes: SCN1A (sodium voltage-gated channel alpha subunit 1; minus strand), TTC21B (tetratricopeptide repeat domain 21B; minus strand). Cytogenetic location: 2q24.3.
Variant type: Deletion.
Identifiers: ClinVar variation 3247192 (VCV003247192.1).